The following is an entry in ClinVar:

ClinVar aggregate classification (germline): Likely benign. Review status: criteria provided, multiple submitters, no conflicts (2 of 4 stars). 2 submissions from 2 submitters: Likely benign (2). Last evaluated 2026-07-24.

Conditions:
IRAK3-related disorder. Also called: IRAK3-related condition.

Allele frequency attached by ClinVar (database versions not stated): TOPMed 0.00008; 1000 Genomes Project 30x 0.00016; gnomAD exomes 0.00020; ExAC 0.00026; gnomAD 0.00041 and 0.00043.

Submissions (2):

PreventionGenetics, part of Exact Sciences
Classification: Likely benign for IRAK3-related condition. Last evaluated: 2026-07-24. Review status: criteria provided, single submitter. Criteria: ACMG Guidelines, 2015. Collection method: clinical testing. Allele origin: germline.
Comment: This variant is classified as likely benign based on ACMG/AMP sequence variant interpretation guidelines (Richards et al. 2015 PMID: 25741868, with internal and published modifications).

Labcorp Genetics (formerly Invitae), Labcorp
Classification: Likely benign. Last evaluated: 2018-03-30. Review status: criteria provided, single submitter. Criteria: Invitae Variant Classification Sherloc (09022015). Collection method: clinical testing. Allele origin: germline.

NM_007199.3(IRAK3):c.1A>G (p.Met1Val)

Gene: IRAK3 (interleukin 1 receptor associated kinase 3; plus strand). Cytogenetic location: 12q14.3.
Variant type: single nucleotide variant.
Coding change: c.1A>G on transcript NM_007199.3 (MANE Select); coding-DNA position 1, A replaced by G.
Protein change: p.Met1Val; changes the start codon (methionine 1).
Molecular consequence: missense variant, initiator codon variant.
Genome position (GRCh38, 1-based): chr12:66,189,300, A>G. VCF-style: chr12-66189300-A-G. GRCh37 (hg19) VCF-style: chr12-66583080-A-G.
Other names: c.1A>G, p.Met1Val (NM_001142523.2); short protein forms M1V.
Identifiers: ClinVar variation 736195 (VCV000736195.5), dbSNP rs760304982, ClinGen allele CA6672489.